The following is an entry in ClinVar:

NM_000051.4(ATM):c.1525G>A (p.Gly509Arg)

Gene: ATM (ATM serine/threonine kinase; plus strand). Cytogenetic location: 11q22.3.
Variant type: single nucleotide variant.
Coding change: c.1525G>A on transcript NM_000051.4 (MANE Select); coding-DNA position 1525, G replaced by A.
Protein change: p.Gly509Arg; replaces glycine 509 with arginine.
Molecular consequence: missense variant.
Genome position (GRCh38, 1-based): chr11:108,250,990, G>A. VCF-style: chr11-108250990-G-A. GRCh37 (hg19) VCF-style: chr11-108121717-G-A.
Other names: c.1525G>A, p.Gly509Arg (NM_001351834.2); short protein forms G509R.
Identifiers: ClinVar variation 2049658 (VCV002049658.1), dbSNP rs1185827611, ClinGen allele CA382534284.

ClinVar aggregate classification (germline): Uncertain significance (1 of 4 stars; one submission).

Conditions:
Ataxia-telangiectasia syndrome (AT). Also called: ATAXIA-TELANGIECTASIA, COMPLEMENTATION GROUP A; ATAXIA-TELANGIECTASIA, FRESNO VARIANT; Ataxia-telangiectasia; Ataxia telangiectasia (A-T); Ataxia-telangiectasia, complementation group E; Cerebello-oculocutaneous telangiectasia. Identifiers: Orphanet 100, MedGen C0004135, MONDO:0008840, OMIM 208900.

Allele frequency attached by ClinVar (database versions not stated): gnomAD exomes below 0.00001.

Submission:

Labcorp Genetics (formerly Invitae), Labcorp
Classification: Uncertain significance for Ataxia-telangiectasia syndrome. Last evaluated: 2021-12-20. Review status: criteria provided, single submitter. Criteria: Invitae Variant Classification Sherloc (09022015). Collection method: clinical testing. Allele origin: germline.
Comment: This sequence change replaces glycine, which is neutral and non-polar, with arginine, which is basic and polar, at codon 509 of the ATM protein (p.Gly509Arg). This variant is present in population databases (no rsID available, gnomAD 0.003%). This variant has not been reported in the literature in individuals affected with ATM-related conditions. Advanced modeling of protein sequence and biophysical properties (such as structural, functional, and spatial information, amino acid conservation, physicochemical variation, residue mobility, and thermodynamic stability) performed at Invitae indicates that this missense variant is not expected to disrupt ATM protein function. Algorithms developed to predict the effect of sequence changes on RNA splicing suggest that this variant may create or strengthen a splice site. In summary, the available evidence is currently insufficient to determine the role of this variant in disease. Therefore, it has been classified as a Variant of Uncertain Significance.